The following is an entry in ClinVar:

NM_000081.4(LYST):c.*446T>C

Gene: LYST (lysosomal trafficking regulator; minus strand). Cytogenetic location: 1q42.3.
Variant type: single nucleotide variant.
Coding change: c.*446T>C on transcript NM_000081.4 (MANE Select); 446 bases downstream of the stop codon, T replaced by C.
Molecular consequence: 3 prime UTR variant.
Genome position (GRCh38, 1-based): chr1:235,662,494, A>G on the plus strand (T>C on the coding strand, the complement: LYST is on the minus strand). VCF-style: chr1-235662494-A-G. GRCh37 (hg19) VCF-style: chr1-235825794-A-G.
Other names: c.*446T>C (NM_001301365.1).
Identifiers: ClinVar variation 296337 (VCV000296337.5), dbSNP rs74986567, ClinGen allele CA10609525.

ClinVar aggregate classification (germline): Benign (1 of 4 stars; one submission).

Conditions:
Chédiak-Higashi syndrome (CHS). Also called: Chediak-Higashi Syndrome. Identifiers: Orphanet 167, MedGen C0007965, MONDO:0008963, OMIM 214500.

Allele frequency attached by ClinVar (database versions not stated): gnomAD exomes 0.00150; gnomAD 0.02475; TOPMed 0.02889; 1000 Genomes Project 0.02975; 1000 Genomes Project 30x 0.03186.
gnomAD v4.1: 3,787 of 189,310 alleles (2%); highest among the groups gnomAD compares: African/African-American, 8.5%; 147 homozygotes.

Submission:

Illumina Laboratory Services, Illumina
Classification: Benign for Chédiak-Higashi syndrome. Last evaluated: 2018-01-13. Review status: criteria provided, single submitter. Criteria: ICSL Variant Classification Criteria 13 December 2019. Collection method: clinical testing. Allele origin: germline.
Comment: This variant was observed in the ICSL laboratory as part of a predisposition screen in an ostensibly healthy population. It had not been previously curated by ICSL or reported in the Human Gene Mutation Database (HGMD: prior to June 1st, 2018), and was therefore a candidate for classification through an automated scoring system. Utilizing variant allele frequency, disease prevalence and penetrance estimates, and inheritance mode, an automated score was calculated to assess if this variant is too frequent to cause the disease. Based on the score and internal cut-off values, a variant classified as benign is not then subjected to further curation. The score for this variant resulted in a classification of benign for this disease.